The following is an entry in ClinVar:

ClinVar aggregate classification (germline): Uncertain significance (1 of 4 stars; one submission).

Conditions:
Inborn genetic diseases. Identifiers: MedGen C0950123, MeSH D030342.

Submission:

Ambry Genetics
Classification: Uncertain significance for Inborn genetic diseases. Last evaluated: 2024-03-27. Review status: criteria provided, single submitter. Criteria: Ambry Variant Classification Scheme 2023. Collection method: clinical testing. Allele origin: germline.
Comment: The c.3413C>G (p.S1138W) alteration is located in exon 27 (coding exon 27) of the KCNMA1 gene. This alteration results from a C to G substitution at nucleotide position 3413, causing the serine (S) at amino acid position 1138 to be replaced by a tryptophan (W). This variant was not reported in population-based cohorts in the Genome Aggregation Database (gnomAD). This amino acid position is highly conserved in available vertebrate species. This missense alteration is located in a region that has a low rate of benign missense variation (Lek, 2016; Firth, 2009). The in silico prediction for this alteration is inconclusive. Based on insufficient or conflicting evidence, the clinical significance of this alteration remains unclear.

NM_001161352.2(KCNMA1):c.3587C>G (p.Ser1196Trp)

Gene: KCNMA1 (potassium calcium-activated channel subfamily M alpha 1; minus strand). Cytogenetic location: 10q22.3.
Variant type: single nucleotide variant.
Coding change: c.3587C>G on transcript NM_001161352.2 (MANE Select); coding-DNA position 3587, C replaced by G.
Protein change: p.Ser1196Trp; replaces serine 1196 with tryptophan.
Molecular consequence: missense variant.
Genome position (GRCh38, 1-based): chr10:76,887,390, G>C on the plus strand (C>G on the coding strand, the complement: KCNMA1 is on the minus strand). VCF-style: chr10-76887390-G-C. GRCh37 (hg19) VCF-style: chr10-78647148-G-C.
Other names: c.3425C>G, p.Ser1142Trp (NM_001014797.3); c.3536C>G, p.Ser1179Trp (NM_001161353.2); c.3263C>G, p.Ser1088Trp (NM_001271518.2); c.3503C>G, p.Ser1168Trp (NM_001271519.2); c.3422C>G, p.Ser1141Trp (NM_001322829.2, NM_001322836.2); c.3515C>G, p.Ser1172Trp (NM_001322830.2); c.3413C>G, p.Ser1138Trp (NM_001322832.2, NM_001410940.1, NM_002247.4); c.3506C>G, p.Ser1169Trp (NM_001322835.2, NM_001322837.2); and 1 more; short protein forms S1142W, S1168W, S1169W, S1138W, S1172W, S1141W, S1179W, S1088W.
Identifiers: ClinVar variation 3287703 (VCV003287703.1).